The following is an entry in ClinVar:

NM_007055.4(POLR3A):c.2799G>A (p.Pro933=)

Gene: POLR3A (RNA polymerase III subunit A; minus strand). Cytogenetic location: 10q22.3.
Variant type: single nucleotide variant.
Coding change: c.2799G>A on transcript NM_007055.4 (MANE Select); coding-DNA position 2799, G replaced by A.
Protein change: p.Pro933=; no amino-acid change (proline 933 retained).
Molecular consequence: synonymous variant.
Genome position (GRCh38, 1-based): chr10:77,991,156, C>T on the plus strand (G>A on the coding strand, the complement: POLR3A is on the minus strand). VCF-style: chr10-77991156-C-T. GRCh37 (hg19) VCF-style: chr10-79750914-C-T.
Identifiers: ClinVar variation 740866 (VCV000740866.18), dbSNP rs200452026, ClinGen allele CA5571018.

ClinVar aggregate classification (germline): Likely benign. Review status: criteria provided, multiple submitters, no conflicts (2 of 4 stars). 3 submissions from 3 submitters: Likely benign (3). Last evaluated 2026-01-05.

Allele frequency attached by ClinVar (database versions not stated): gnomAD 0.00003 and 0.00004; gnomAD exomes 0.00004 and 0.00007; ExAC 0.00006; TOPMed 0.00006; 1000 Genomes Project 30x 0.00016; 1000 Genomes Project 0.00020.
gnomAD v4.1: 74 of 1,606,178 alleles (0.0046%); highest among the groups gnomAD compares: South Asian, 0.038%; 1 homozygote.

Submissions (3):

Labcorp Genetics (formerly Invitae), Labcorp
Classification: Likely benign. Last evaluated: 2026-01-05. Review status: criteria provided, single submitter. Criteria: Invitae Variant Classification Sherloc (09022015). Collection method: clinical testing. Allele origin: germline.

CeGaT Center for Human Genetics Tuebingen
Classification: Likely benign. Last evaluated: 2025-06-01. Review status: criteria provided, single submitter. Criteria: CeGaT Center For Human Genetics Tuebingen Variant Classification Criteria Version 2. Collection method: clinical testing. Allele origin: germline. Affected: yes. Observed: 1 variant allele.
Comment: POLR3A: BP4, BP7

Blueprint Genetics
Classification: Likely benign. Last evaluated: 2023-09-25. Review status: criteria provided, single submitter. Criteria: ACMG Guidelines, 2015. Collection method: clinical testing. Allele origin: germline.